The following is an entry in ClinVar:

ClinVar aggregate classification (germline): Benign (0 of 4 stars; one submission).

Conditions:
NCOR2-related disorder. Also called: NCOR2-related condition.

Allele frequency attached by ClinVar (database versions not stated): ESP Exome Variant Server 0.03878; TOPMed 0.04381; gnomAD 0.04474; ExAC 0.05013; 1000 Genomes Project 30x 0.05465; 1000 Genomes Project 0.05831.
gnomAD v4.1: 73,602 of 1,611,108 alleles (4.6%); highest among the groups gnomAD compares: South Asian, 12%; 2,192 homozygotes.

Submission:

PreventionGenetics, part of Exact Sciences
Classification: Benign for NCOR2-related condition. Last evaluated: 2019-02-20. Review status: no assertion criteria provided. Collection method: clinical testing. Allele origin: germline.
Comment: This variant is classified as benign based on ACMG/AMP sequence variant interpretation guidelines (Richards et al. 2015 PMID: 25741868, with internal and published modifications).

NM_006312.6(NCOR2):c.6001C>T (p.Pro2001Ser)

Gene: NCOR2 (nuclear receptor corepressor 2; minus strand). Cytogenetic location: 12q24.31.
Variant type: single nucleotide variant.
Coding change: c.6001C>T on transcript NM_006312.6 (MANE Select); coding-DNA position 6001, C replaced by T.
Protein change: p.Pro2001Ser; replaces proline 2001 with serine.
Molecular consequence: missense variant.
Genome position (GRCh38, 1-based): chr12:124,336,867, G>A on the plus strand (C>T on the coding strand, the complement: NCOR2 is on the minus strand). VCF-style: chr12-124336867-G-A. GRCh37 (hg19) VCF-style: chr12-124821413-G-A.
Other names: c.5971C>T, p.Pro1991Ser (NM_001077261.4, NM_001206654.2); short protein forms P1991S, P2001S.
Identifiers: ClinVar variation 3056105 (VCV003056105.2), dbSNP rs2230944, ClinGen allele CA6867686.